The following is an entry in ClinVar:

ClinVar aggregate classification (germline): Pathogenic (1 of 4 stars; one submission).

Submission:

Labcorp Genetics (formerly Invitae), Labcorp
Classification: Pathogenic. Last evaluated: 2025-09-10. Review status: criteria provided, single submitter. Criteria: Invitae Variant Classification Sherloc (09022015). Collection method: clinical testing. Allele origin: germline.
Comment: This sequence change creates a premature translational stop signal (p.Gly345Valfs*19) in the LEMD3 gene. It is expected to result in an absent or disrupted protein product. Loss-of-function variants in LEMD3 are known to be pathogenic (PMID: 15489854, 19438932). This variant is not present in population databases (gnomAD no frequency). This variant has not been reported in the literature in individuals affected with LEMD3-related conditions. For these reasons, this variant has been classified as Pathogenic.

Literature cited by the submitters: PubMed 15489854; PubMed 19438932.

NM_014319.5(LEMD3):c.1029_1032del (p.Gly345fs)

Gene: LEMD3 (LEM domain containing 3; plus strand). Cytogenetic location: 12q14.3.
Variant type: Deletion.
Coding change: c.1029_1032del on transcript NM_014319.5 (MANE Select); coding-DNA positions 1029 to 1032, 4 bases deleted (AGGA; older notation c.1029_1032delAGGA).
Protein change: p.Gly345fs; shifts the reading frame from glycine 345.
Molecular consequence: frameshift variant.
Genome position (GRCh38, 1-based): chr12:65,170,625-65,170,628, AGGA deleted. VCF-style (leftmost placement, unchanged base first): chr12-65170624-GAGGA-G. GRCh37 (hg19) VCF-style: chr12-65564404-GAGGA-G.
Other names: c.1029_1032del, p.Gly345fs (NM_001167614.2); short protein forms G345fs.
Identifiers: ClinVar variation 4719405 (VCV004719405.1).